The following is an entry in ClinVar:

NM_201384.3(PLEC):c.13482_13493dup (p.4491TGSR[3])

Gene: PLEC (plectin; minus strand). Cytogenetic location: 8q24.3.
Variant type: Duplication.
Coding change: c.13482_13493dup on transcript NM_201384.3 (MANE Select); coding-DNA positions 13482 to 13493, 12 bases duplicated (CACCGGCTCCCG).
Protein change: p.4491TGSR[3].
Molecular consequence: inframe insertion.
Genome position (GRCh38, 1-based): chr8:143,916,328-143,916,339, CGGGAGCCGGTG duplicated on the plus strand (CACCGGCTCCCG on the coding strand, the reverse complement: PLEC is on the minus strand); duplicating any 12 consecutive bases within chr8:143,916,328-143,916,341 gives the same sequence; the c. name uses the placement nearest the transcript's 3' end. VCF-style (leftmost placement, unchanged base first): chr8-143916327-C-CCGGGAGCCGGTG. GRCh37 (hg19) VCF-style: chr8-144990495-C-CCGGGAGCCGGTG.
Other names: c.13563_13574dup, p.4518TGSR[3] (NM_000445.5); c.13440_13451dup, p.4477TGSR[3] (NM_201378.4); c.13416_13427dup, p.4469TGSR[3] (NM_201379.3); c.13893_13904dup, p.4628TGSR[3] (NM_201380.4); c.13386_13397dup, p.4459TGSR[3] (NM_201381.3); c.13482_13493dup, p.4491TGSR[3] (NM_201382.4); c.13494_13505dup, p.4495TGSR[3] (NM_201383.3).
Identifiers: ClinVar variation 1008895 (VCV001008895.9), dbSNP rs1820517130, ClinGen allele CA1826036923.

ClinVar aggregate classification (germline): Uncertain significance (1 of 4 stars; one submission).

Conditions:
Epidermolysis bullosa simplex 5B, with muscular dystrophy (EBS5B). Also called: Epidermolysis bullosa simplex with muscular dystrophy; EPIDERMOLYSIS BULLOSA SIMPLEX AND LIMB-GIRDLE MUSCULAR DYSTROPHY. Identifiers: Orphanet 257, MedGen C2931072, MONDO:0009181, OMIM 226670.
Epidermolysis bullosa simplex, Ogna type (EBS5A). Also called: Pidermolysis bullosa simplex 5A, Ogna type; EPIDERMOLYSIS BULLOSA SIMPLEX 5A, OGNA TYPE. Identifiers: Orphanet 79401, MedGen C0432317, MONDO:0007555, OMIM 131950.
Epidermolysis bullosa simplex 5C, with pyloric atresia (EBS5C). Also called: PLEC-Related Epidermolysis Bullosa with Pyloric Atresia; Epidermolysis bullosa simplex with pyloric atresia; PLEC1-Related Epidermolysis Bullosa with Pyloric Atresia. Identifiers: Orphanet 158684, MedGen C2677349, MONDO:0012807, OMIM 612138.
Autosomal recessive limb-girdle muscular dystrophy type 2Q (LGMDR17). Also called: MUSCULAR DYSTROPHY, LIMB-GIRDLE, AUTOSOMAL RECESSIVE 17. Identifiers: Orphanet 254361, MedGen C3150989, MONDO:0013390, OMIM 613723.
Epidermolysis bullosa simplex with nail dystrophy (EBS5D). Identifiers: MedGen C4225309, MONDO:0014661, OMIM 616487.

Submission:

Labcorp Genetics (formerly Invitae), Labcorp
Classification: Uncertain significance for Autosomal recessive limb-girdle muscular dystrophy type 2Q; Epidermolysis bullosa simplex, Ogna type; Epidermolysis bullosa simplex with nail dystrophy; Epidermolysis bullosa simplex 5C, with pyloric atresia; Epidermolysis bullosa simplex 5B, with muscular dystrophy. Last evaluated: 2020-04-07. Review status: criteria provided, single submitter. Criteria: Invitae Variant Classification Sherloc (09022015). Collection method: clinical testing. Allele origin: germline.
Comment: This variant, c.13563_13574dup, results in the insertion of 4 amino acid(s) to the PLEC protein (p.Thr4522_Arg4525dup), but otherwise preserves the integrity of the reading frame. This variant is not present in population databases (ExAC no frequency). This variant has not been reported in the literature in individuals with PLEC-related conditions. Experimental studies and prediction algorithms are not available or were not evaluated, and the functional significance of this variant is currently unknown. In summary, the available evidence is currently insufficient to determine the role of this variant in disease. Therefore, it has been classified as a Variant of Uncertain Significance.